The following is an entry in ClinVar:

NM_001379291.1(BRD4):c.2375C>T (p.Ala792Val)

Gene: BRD4 (bromodomain containing 4; minus strand). Cytogenetic location: 19p13.12.
Variant type: single nucleotide variant.
Coding change: c.2375C>T on transcript NM_001379291.1 (MANE Select); coding-DNA position 2375, C replaced by T.
Protein change: p.Ala792Val; replaces alanine 792 with valine.
Molecular consequence: missense variant.
Genome position (GRCh38, 1-based): chr19:15,244,437, G>A on the plus strand (C>T on the coding strand, the complement: BRD4 is on the minus strand). VCF-style: chr19-15244437-G-A. GRCh37 (hg19) VCF-style: chr19-15355248-G-A.
Other names: c.2375C>T, p.Ala792Val (NM_058243.3); short protein forms A792V.
Identifiers: ClinVar variation 2075160 (VCV002075160.4), dbSNP rs967021402, ClinGen allele CA404508508.

ClinVar aggregate classification (germline): Uncertain significance (1 of 4 stars; one submission).

Submission:

Labcorp Genetics (formerly Invitae), Labcorp
Classification: Uncertain significance. Last evaluated: 2024-07-18. Review status: criteria provided, single submitter. Criteria: Invitae Variant Classification Sherloc (09022015). Collection method: clinical testing. Allele origin: germline.
Comment: This sequence change replaces alanine, which is neutral and non-polar, with valine, which is neutral and non-polar, at codon 792 of the BRD4 protein (p.Ala792Val). The frequency data for this variant in the population databases is considered unreliable, as metrics indicate poor data quality at this position in the gnomAD database. This variant has not been reported in the literature in individuals affected with BRD4-related conditions. ClinVar contains an entry for this variant (Variation ID: 2075160). An algorithm developed to predict the effect of missense changes on protein structure and function (PolyPhen-2) suggests that this variant is likely to be tolerated. In summary, the available evidence is currently insufficient to determine the role of this variant in disease. Therefore, it has been classified as a Variant of Uncertain Significance.